The following is an entry in ClinVar:

ClinVar aggregate classification (germline): Conflicting classifications of pathogenicity. Review status: criteria provided, conflicting classifications (1 of 4 stars). 2 submissions from 2 submitters: Uncertain significance (1); Likely benign (1). Last evaluated 2025-09-25.

Conditions:
Inborn genetic diseases. Identifiers: MedGen C0950123, MeSH D030342.
Hereditary sensory and autonomic neuropathy type 7. Also called: HSAN VII; Neuropathy, hereditary sensory and autonomic, type VII. Identifiers: Orphanet 391397, MedGen C3809882, MONDO:0014244, OMIM 615548.
Familial episodic pain syndrome with predominantly lower limb involvement. Also called: Episodic pain syndrome, familial, 3. Identifiers: Orphanet 391384, Orphanet 391392, MedGen C3809899, MONDO:0014247, OMIM 615552.

Submissions (2):

Ambry Genetics
Classification: Likely benign for Inborn genetic diseases. Last evaluated: 2025-09-25. Review status: criteria provided, single submitter. Criteria: Ambry Variant Classification Scheme 2023. Collection method: clinical testing. Allele origin: germline.

Labcorp Genetics (formerly Invitae), Labcorp
Classification: Uncertain significance for Familial episodic pain syndrome with predominantly lower limb involvement; Hereditary sensory and autonomic neuropathy type 7. Last evaluated: 2022-05-27. Review status: criteria provided, single submitter. Criteria: Invitae Variant Classification Sherloc (09022015). Collection method: clinical testing. Allele origin: germline.
Comment: In summary, the available evidence is currently insufficient to determine the role of this variant in disease. Therefore, it has been classified as a Variant of Uncertain Significance. Algorithms developed to predict the effect of sequence changes on RNA splicing suggest that this variant may create or strengthen a splice site. Algorithms developed to predict the effect of missense changes on protein structure and function output the following: SIFT: "Tolerated"; PolyPhen-2: "Benign"; Align-GVGD: "Class C0". The isoleucine amino acid residue is found in multiple mammalian species, which suggests that this missense change does not adversely affect protein function. ClinVar contains an entry for this variant (Variation ID: 649101). This variant has not been reported in the literature in individuals affected with SCN11A-related conditions. This variant is not present in population databases (gnomAD no frequency). This sequence change replaces valine, which is neutral and non-polar, with isoleucine, which is neutral and non-polar, at codon 1040 of the SCN11A protein (p.Val1040Ile).

NM_001349253.2(SCN11A):c.3118G>A (p.Val1040Ile)

Gene: SCN11A (sodium voltage-gated channel alpha subunit 11; minus strand). Cytogenetic location: 3p22.2.
Variant type: single nucleotide variant.
Coding change: c.3118G>A on transcript NM_001349253.2 (MANE Select); coding-DNA position 3118, G replaced by A.
Protein change: p.Val1040Ile; replaces valine 1040 with isoleucine.
Molecular consequence: missense variant.
Genome position (GRCh38, 1-based): chr3:38,883,334, C>T on the plus strand (G>A on the coding strand, the complement: SCN11A is on the minus strand). VCF-style: chr3-38883334-C-T. GRCh37 (hg19) VCF-style: chr3-38924825-C-T.
Other names: c.3118G>A, p.Val1040Ile (NM_014139.3); short protein forms V1040I.
Identifiers: ClinVar variation 649101 (VCV000649101.6), dbSNP rs1575242633, ClinGen allele CA352173153.